The following is an entry in ClinVar:

ClinVar aggregate classification (germline): Uncertain significance (1 of 4 stars; one submission).

Conditions:
Dilated cardiomyopathy 1DD (CMD1DD). Identifiers: Orphanet 154, MedGen C2750995, MONDO:0013168, OMIM 613172.

Allele frequency attached by ClinVar (database versions not stated): TOPMed 0.00002.
gnomAD v4.1: 3 of 1,551,608 alleles (0.00019%); highest among the groups gnomAD compares: African/African-American, 0.0041%; no homozygotes.

Submission:

Labcorp Genetics (formerly Invitae), Labcorp
Classification: Uncertain significance for Dilated cardiomyopathy 1DD. Last evaluated: 2025-08-13. Review status: criteria provided, single submitter. Criteria: Invitae Variant Classification Sherloc (09022015). Collection method: clinical testing. Allele origin: germline.
Comment: This sequence change replaces arginine, which is basic and polar, with serine, which is neutral and polar, at codon 703 of the RBM20 protein (p.Arg703Ser). This variant is not present in population databases (gnomAD no frequency). This missense change has been observed in individual(s) with dilated cardiomyopathy (PMID: 22004663; internal data). ClinVar contains an entry for this variant (Variation ID: 1498555). Invitae Evidence Modeling of protein sequence and biophysical properties (such as structural, functional, and spatial information, amino acid conservation, physicochemical variation, residue mobility, and thermodynamic stability) indicates that this missense variant is not expected to disrupt RBM20 protein function with a negative predictive value of 95%. In summary, the available evidence is currently insufficient to determine the role of this variant in disease. Therefore, it has been classified as a Variant of Uncertain Significance.

Literature cited by the submitters: PubMed 22004663.

NM_001134363.3(RBM20):c.2109G>C (p.Arg703Ser)

Gene: RBM20 (RNA binding motif protein 20; plus strand). Cytogenetic location: 10q25.2.
Variant type: single nucleotide variant.
Coding change: c.2109G>C on transcript NM_001134363.3 (MANE Select); coding-DNA position 2109, G replaced by C.
Protein change: p.Arg703Ser; replaces arginine 703 with serine.
Molecular consequence: missense variant.
Genome position (GRCh38, 1-based): chr10:110,812,506, G>C. VCF-style: chr10-110812506-G-C. GRCh37 (hg19) VCF-style: chr10-112572264-G-C.
Other names: short protein forms R703S.
Identifiers: ClinVar variation 1498555 (VCV001498555.8), dbSNP rs988797559, ClinGen allele CA213223788.